The following is an entry in ClinVar:

ClinVar aggregate classification (germline): Uncertain significance (1 of 4 stars; one submission).

Submission:

Labcorp Genetics (formerly Invitae), Labcorp
Classification: Uncertain significance. Last evaluated: 2025-06-24. Review status: criteria provided, single submitter. Criteria: Invitae Variant Classification Sherloc (09022015). Collection method: clinical testing. Allele origin: germline.
Comment: This sequence change replaces proline, which is neutral and non-polar, with leucine, which is neutral and non-polar, at codon 371 of the RAI1 protein (p.Pro371Leu). This variant is not present in population databases (gnomAD no frequency). This variant has not been reported in the literature in individuals affected with RAI1-related conditions. Invitae Evidence Modeling of protein sequence and biophysical properties (such as structural, functional, and spatial information, amino acid conservation, physicochemical variation, residue mobility, and thermodynamic stability) indicates that this missense variant is not expected to disrupt RAI1 protein function with a negative predictive value of 80%. In summary, the available evidence is currently insufficient to determine the role of this variant in disease. Therefore, it has been classified as a Variant of Uncertain Significance.

NM_030665.4(RAI1):c.1112C>T (p.Pro371Leu)

Gene: RAI1 (retinoic acid induced 1; plus strand). Cytogenetic location: 17p11.2.
Variant type: single nucleotide variant.
Coding change: c.1112C>T on transcript NM_030665.4 (MANE Select); coding-DNA position 1112, C replaced by T.
Protein change: p.Pro371Leu; replaces proline 371 with leucine.
Molecular consequence: missense variant.
Genome position (GRCh38, 1-based): chr17:17,794,060, C>T. VCF-style: chr17-17794060-C-T. GRCh37 (hg19) VCF-style: chr17-17697374-C-T.
Other names: short protein forms P371L.
Identifiers: ClinVar variation 4743553 (VCV004743553.1).